The following is an entry in ClinVar:

NM_003640.5(ELP1):c.2417A>G (p.Tyr806Cys)

Gene: ELP1 (elongator acetyltransferase complex subunit 1; minus strand). Cytogenetic location: 9q31.3.
Variant type: single nucleotide variant.
Coding change: c.2417A>G on transcript NM_003640.5 (MANE Select); coding-DNA position 2417, A replaced by G.
Protein change: p.Tyr806Cys; replaces tyrosine 806 with cysteine.
Molecular consequence: missense variant.
Genome position (GRCh38, 1-based): chr9:108,897,232, T>C on the plus strand (A>G on the coding strand, the complement: ELP1 is on the minus strand). VCF-style: chr9-108897232-T-C. GRCh37 (hg19) VCF-style: chr9-111659512-T-C.
Other names: c.2417A>G (NM_003640.3); c.2075A>G, p.Tyr692Cys (NM_001318360.2); c.1370A>G, p.Tyr457Cys (NM_001330749.2); short protein forms Y457C, Y692C, Y806C.
Identifiers: ClinVar variation 989534 (VCV000989534.7), dbSNP rs191464698, ClinGen allele CA5174650.

ClinVar aggregate classification (germline): Uncertain significance. Review status: criteria provided, multiple submitters, no conflicts (2 of 4 stars). 4 submissions from 4 submitters: Uncertain significance (3). 1 of the submissions does not count toward it. Last evaluated 2025-06-18.

Conditions:
Familial dysautonomia. Also called: FD; HSAN III. Identifiers: Orphanet 1764, MedGen C0013364, MONDO:0009131, OMIM 223900. Disease mechanism: loss of function.
Medulloblastoma (MDB). Also called: MEDULLOBLASTOMA PREDISPOSITION SYNDROME; Medulloblastoma, somatic. Identifiers: Orphanet 616, MedGen C0025149, MeSH D008527, MONDO:0007959, OMIM 155255, HP:0002885.

Allele frequency attached by ClinVar (database versions not stated): gnomAD 0.00002 and 0.00004; TOPMed 0.00007; ExAC 0.00009; gnomAD exomes 0.00009; 1000 Genomes Project 0.00020; 1000 Genomes Project 30x 0.00031.

Submissions (4):

Ambry Genetics
Classification: Uncertain significance. Last evaluated: 2025-06-18. Review status: criteria provided, single submitter. Criteria: Ambry Variant Classification Scheme 2023. Collection method: clinical testing. Allele origin: germline.

Labcorp Genetics (formerly Invitae), Labcorp
Classification: Uncertain significance. Last evaluated: 2024-12-31. Review status: criteria provided, single submitter. Criteria: Invitae Variant Classification Sherloc (09022015). Collection method: clinical testing. Allele origin: germline.
Comment: This sequence change replaces tyrosine, which is neutral and polar, with cysteine, which is neutral and slightly polar, at codon 806 of the ELP1 protein (p.Tyr806Cys). This variant is present in population databases (rs191464698, gnomAD 0.1%). This variant has not been reported in the literature in individuals affected with ELP1-related conditions. ClinVar contains an entry for this variant (Variation ID: 989534). Invitae Evidence Modeling of protein sequence and biophysical properties (such as structural, functional, and spatial information, amino acid conservation, physicochemical variation, residue mobility, and thermodynamic stability) indicates that this missense variant is not expected to disrupt ELP1 protein function with a negative predictive value of 80%. In summary, the available evidence is currently insufficient to determine the role of this variant in disease. Therefore, it has been classified as a Variant of Uncertain Significance.

Fulgent Genetics
Classification: Uncertain significance for Medulloblastoma; Familial dysautonomia. Last evaluated: 2022-01-07. Review status: criteria provided, single submitter. Criteria: ACMG Guidelines, 2015. Collection method: clinical testing. Allele origin: unknown.

Natera, Inc.
Classification: Uncertain significance for Familial dysautonomia. Last evaluated: 2020-08-21. Review status: no assertion criteria provided. Collection method: clinical testing. Allele origin: germline. Not counted in ClinVar's aggregate classification.